The following is an entry in ClinVar:

ClinVar aggregate classification (germline): Uncertain significance (1 of 4 stars; one submission).

Submission:

Labcorp Genetics (formerly Invitae), Labcorp
Classification: Uncertain significance. Last evaluated: 2024-07-13. Review status: criteria provided, single submitter. Criteria: Invitae Variant Classification Sherloc (09022015). Collection method: clinical testing. Allele origin: germline.
Comment: This sequence change affects codon 391 of the MSH3 mRNA. It is a 'silent' change, meaning that it does not change the encoded amino acid sequence of the MSH3 protein. This variant also falls at the last nucleotide of exon 7, which is part of the consensus splice site for this exon. This variant is not present in population databases (gnomAD no frequency). This variant has not been reported in the literature in individuals affected with MSH3-related conditions. Variants that disrupt the consensus splice site are a relatively common cause of aberrant splicing (PMID: 17576681, 9536098). Algorithms developed to predict the effect of sequence changes on RNA splicing suggest that this variant may disrupt the consensus splice site. In summary, the available evidence is currently insufficient to determine the role of this variant in disease. Therefore, it has been classified as a Variant of Uncertain Significance.

Literature cited by the submitters: PubMed 17576681; PubMed 9536098.

NM_002439.5(MSH3):c.1173G>C (p.Val391=)

Gene: MSH3 (mutS homolog 3; plus strand). Cytogenetic location: 5q14.1.
Variant type: single nucleotide variant.
Coding change: c.1173G>C on transcript NM_002439.5 (MANE Select); coding-DNA position 1173, G replaced by C.
Protein change: p.Val391=; no amino-acid change (valine 391 retained).
Molecular consequence: synonymous variant.
Genome position (GRCh38, 1-based): chr5:80,675,128, G>C. VCF-style: chr5-80675128-G-C. GRCh37 (hg19) VCF-style: chr5-79970947-G-C.
Identifiers: ClinVar variation 3659423 (VCV003659423.2).